The following is an entry in ClinVar:

ClinVar aggregate classification (germline): Conflicting classifications of pathogenicity. Review status: criteria provided, conflicting classifications (1 of 4 stars). 5 submissions from 5 submitters: Uncertain significance (3); Likely benign (2). Last evaluated 2026-06-24.

Conditions:
TTN-related disorder. Also called: TTN-related disorders; TTN-related condition; TTN-related disease.

Allele frequency attached by ClinVar (database versions not stated): gnomAD exomes 0.00002 and 0.00005; gnomAD 0.00004 and 0.00005; ExAC 0.00005; TOPMed 0.00005; ESP Exome Variant Server 0.00008.
gnomAD v4.1: 41 of 1,613,936 alleles (0.0025%); highest among the groups gnomAD compares: South Asian, 0.0044%; no homozygotes.

Submissions (5):

PreventionGenetics, part of Exact Sciences
Classification: Uncertain significance for TTN-related condition. Last evaluated: 2026-06-24. Review status: criteria provided, single submitter. Criteria: ACMG Guidelines, 2015. Collection method: clinical testing. Allele origin: germline.
Comment: The TTN c.1088C>T variant is predicted to result in the amino acid substitution p.Thr363Met. This variant is reported in 0.013% of alleles in individuals of South Asian descent in gnomAD. At this time, the clinical significance of this variant is uncertain due to the absence of conclusive functional and genetic evidence.

Molecular Diagnostic Laboratory for Inherited Cardiovascular Disease, Montreal Heart Institute
Classification: Likely benign. Last evaluated: 2025-04-09. Review status: criteria provided, single submitter. Criteria: ACMG Guidelines, 2015. Collection method: clinical testing. Allele origin: germline. Affected: no.
Comment: BP1

Women's Health and Genetics/Laboratory Corporation of America, LabCorp
Classification: Uncertain significance. Last evaluated: 2024-05-09. Review status: criteria provided, single submitter. Criteria: LabCorp Variant Classification Summary - May 2015. Collection method: clinical testing. Allele origin: germline.
Comment: Variant summary: TTN c.1088C>T (p.Thr363Met) results in a non-conservative amino acid change located in the Z-disk of the encoded protein sequence. Three of five in-silico tools predict a benign effect of the variant on protein function. The variant allele was found at a frequency of 4.8e-05 in 251050 control chromosomes. The available data on variant occurrences in the general population are insufficient to allow any conclusion about variant significance. c.1088C>T has been reported in the literature in an individual affected with Emery-Dreifuss Muscular Dystrophy, without evidence for causality. These report(s) do not provide unequivocal conclusions about association of the variant with Limb-Girdle Muscular Dystrophy, Type 2J. To our knowledge, no experimental evidence demonstrating an impact on protein function has been reported. The following publication have been ascertained in the context of this evaluation (PMID: 30764827). ClinVar contains an entry for this variant (Variation ID: 1188645). Based on the evidence outlined above, the variant was classified as uncertain significance.

Revvity Omics, Revvity
Classification: Uncertain significance. Last evaluated: 2024-01-22. Review status: criteria provided, single submitter. Criteria: ACMG Guidelines, 2015. Collection method: clinical testing. Allele origin: germline.

GeneDx
Classification: Likely benign. Last evaluated: 2021-06-07. Review status: criteria provided, single submitter. Criteria: GeneDx Variant Classification Process June 2021. Collection method: clinical testing. Allele origin: germline. Affected: yes.
Comment: Has not been previously published as pathogenic or benign to our knowledge; This variant is associated with the following publications: (PMID: 27535533)

Literature cited by the submitters: PubMed 30764827 (cited by Women's Health and Genetics/Laboratory Corporation of America, LabCorp).

NM_001267550.2(TTN):c.1088C>T (p.Thr363Met)

Gene: TTN (titin; minus strand). Cytogenetic location: 2q31.2.
Variant type: single nucleotide variant.
Coding change: c.1088C>T on transcript NM_001267550.2 (MANE Select); coding-DNA position 1088, C replaced by T.
Protein change: p.Thr363Met; replaces threonine 363 with methionine.
Molecular consequence: missense variant.
Genome position (GRCh38, 1-based): chr2:178,795,079, G>A on the plus strand (C>T on the coding strand, the complement: TTN is on the minus strand). VCF-style: chr2-178795079-G-A. GRCh37 (hg19) VCF-style: chr2-179659806-G-A.
Other names: c.1088C>T, p.Thr363Met (NM_001256850.1, NM_003319.4, NM_133378.4 and 3 more transcripts); short protein forms T363M.
Identifiers: ClinVar variation 1188645 (VCV001188645.6), dbSNP rs199590524, ClinGen allele CA2006147.
Genomic context (GRCh38, chr2:178,795,079, plus strand): 5'-TGGACACCGTATCTCCCTTCCCATCTCTCTTCTGTCCTGATCTGAGTAGAGGTTGTCAGC[G>A]TTGTCTCTCTCATCTCAGCCTCAGATGAGGAGGCCACGTAGCCCTCTTGCTTCCAAGGGG-3'
Protein context (NP_001254479.2, residues 353-373): SSSEAEMRET[Thr363Met]LTTSTQIRTE